The following is an entry in ClinVar:

ClinVar aggregate classification (germline): Uncertain significance. Review status: criteria provided, multiple submitters, no conflicts (2 of 4 stars). 3 submissions from 3 submitters: Uncertain significance (3). Last evaluated 2024-12-02.

Conditions:
Inborn genetic diseases. Identifiers: MedGen C0950123, MeSH D030342.
Perlman syndrome (PRLMNS). Identifiers: Orphanet 2849, MedGen C0796113, MONDO:0009965, OMIM 267000.

Allele frequency attached by ClinVar (database versions not stated): TOPMed 0.00002; gnomAD 0.00003; gnomAD exomes 0.00009 and 0.00018; ExAC 0.00018.
gnomAD v4.1: 138 of 1,613,830 alleles (0.0086%); highest among the groups gnomAD compares: South Asian, 0.12%; 1 homozygote.

Submissions (3):

Labcorp Genetics (formerly Invitae), Labcorp
Classification: Uncertain significance for Perlman syndrome. Last evaluated: 2024-12-02. Review status: criteria provided, single submitter. Criteria: Invitae Variant Classification Sherloc (09022015). Collection method: clinical testing. Allele origin: germline.
Comment: This sequence change replaces aspartic acid, which is acidic and polar, with histidine, which is basic and polar, at codon 307 of the DIS3L2 protein (p.Asp307His). This variant is present in population databases (rs780127954, gnomAD 0.1%). This variant has not been reported in the literature in individuals affected with DIS3L2-related conditions. ClinVar contains an entry for this variant (Variation ID: 463133). Invitae Evidence Modeling of protein sequence and biophysical properties (such as structural, functional, and spatial information, amino acid conservation, physicochemical variation, residue mobility, and thermodynamic stability) indicates that this missense variant is not expected to disrupt DIS3L2 protein function with a negative predictive value of 80%. In summary, the available evidence is currently insufficient to determine the role of this variant in disease. Therefore, it has been classified as a Variant of Uncertain Significance.

Revvity Omics, Revvity
Classification: Uncertain significance for Perlman syndrome. Last evaluated: 2023-09-13. Review status: criteria provided, single submitter. Criteria: ACMG Guidelines, 2015. Collection method: clinical testing. Allele origin: germline.

Ambry Genetics
Classification: Uncertain significance for Inborn genetic diseases. Last evaluated: 2022-03-16. Review status: criteria provided, single submitter. Criteria: Ambry Variant Classification Scheme 2023. Collection method: clinical testing. Allele origin: germline.

NM_152383.5(DIS3L2):c.919G>C (p.Asp307His)

Gene: DIS3L2 (DIS3 like 3'-5' exoribonuclease 2; plus strand). Cytogenetic location: 2q37.1.
Variant type: single nucleotide variant.
Coding change: c.919G>C on transcript NM_152383.5 (MANE Select); coding-DNA position 919, G replaced by C.
Protein change: p.Asp307His; replaces aspartic acid 307 with histidine.
Molecular consequence: missense variant. On other transcripts: non-coding transcript variant (1).
Genome position (GRCh38, 1-based): chr2:232,136,688, G>C. VCF-style: chr2-232136688-G-C. GRCh37 (hg19) VCF-style: chr2-233001398-G-C.
Other names: c.919G>C, p.Asp307His (NM_001257281.2); short protein forms D307H.
Identifiers: ClinVar variation 463133 (VCV000463133.9), dbSNP rs780127954, ClinGen allele CA2163969.